The following is an entry in ClinVar:

NM_001130438.3(SPTAN1):c.6196C>T (p.Leu2066Phe)

Gene: SPTAN1 (spectrin alpha, non-erythrocytic 1; plus strand). Cytogenetic location: 9q34.11.
Variant type: single nucleotide variant.
Coding change: c.6196C>T on transcript NM_001130438.3 (MANE Select); coding-DNA position 6196, C replaced by T.
Protein change: p.Leu2066Phe; replaces leucine 2066 with phenylalanine.
Molecular consequence: missense variant.
Genome position (GRCh38, 1-based): chr9:128,625,895, C>T. VCF-style: chr9-128625895-C-T. GRCh37 (hg19) VCF-style: chr9-131388174-C-T.
Other names: c.6121C>T, p.Leu2041Phe (NM_001195532.2); c.6196C>T, p.Leu2066Phe (NM_001363759.2, NM_001375310.1, NM_001375311.2 and 1 more transcripts); c.6136C>T, p.Leu2046Phe (NM_001363765.2, NM_001375314.2); c.6232C>T, p.Leu2078Phe (NM_001375312.2, NM_001375318.1); c.6181C>T, p.Leu2061Phe (NM_003127.4); short protein forms L2041F, L2046F, L2066F, L2078F, L2061F.
Identifiers: ClinVar variation 843707 (VCV000843707.12), dbSNP rs1286936741, ClinGen allele CA375086961.
Genomic context (GRCh38, chr9:128,625,895, plus strand): 5'-GATCAGCTTCTCGCCGCCAAACACGTTCAGTCCAAGGCCATCGAGGCCCGGCACGCCTCC[C>T]TCATGAAGAGGTGGAGCCAGCTTCTGGCCAACTCAGCCGCCCGCAAGAAGAAGCTTCTGG-3'
Protein context (NP_001123910.1, residues 2056-2076): SKAIEARHAS[Leu2066Phe]MKRWSQLLAN

ClinVar aggregate classification (germline): Uncertain significance (1 of 4 stars; one submission).

Conditions:
Early-infantile DEE. Also called: Ohtahara syndrome; Early infantile epileptic encephalopathy with suppression bursts; Early infantile epileptic encephalopathy. Identifiers: Orphanet 1934, MedGen C0393706, MONDO:0800491.

Allele frequency attached by ClinVar (database versions not stated): gnomAD 0.00001; gnomAD exomes 0.00001 and 0.00002; TOPMed 0.00002.
gnomAD v4.1: 30 of 1,614,104 alleles (0.0019%); highest among the groups gnomAD compares: Non-Finnish European, 0.0024%; no homozygotes.

Submission:

Labcorp Genetics (formerly Invitae), Labcorp
Classification: Uncertain significance for Early-infantile DEE. Last evaluated: 2025-04-20. Review status: criteria provided, single submitter. Criteria: Invitae Variant Classification Sherloc (09022015). Collection method: clinical testing. Allele origin: germline.
Comment: This sequence change replaces leucine, which is neutral and non-polar, with phenylalanine, which is neutral and non-polar, at codon 2066 of the SPTAN1 protein (p.Leu2066Phe). This variant is present in population databases (no rsID available, gnomAD 0.004%). This variant has not been reported in the literature in individuals affected with SPTAN1-related conditions. ClinVar contains an entry for this variant (Variation ID: 843707). Invitae Evidence Modeling of protein sequence and biophysical properties (such as structural, functional, and spatial information, amino acid conservation, physicochemical variation, residue mobility, and thermodynamic stability) has been performed for this missense variant. However, the output from this modeling did not meet the statistical confidence thresholds required to predict the impact of this variant on SPTAN1 protein function. In summary, the available evidence is currently insufficient to determine the role of this variant in disease. Therefore, it has been classified as a Variant of Uncertain Significance.